The following is an entry in ClinVar:

ClinVar aggregate classification (germline): Uncertain significance. Review status: criteria provided, multiple submitters, no conflicts (2 of 4 stars). 3 submissions from 3 submitters: Uncertain significance (3). Last evaluated 2022-06-21.

Conditions:
Developmental and epileptic encephalopathy, 34 (DEE34). Also called: Early infantile epileptic encephalopathy 34; SLC12A5-Related Epilepsy of Infancy with Migrating Focal Seizures. Identifiers: Orphanet 293181, MedGen C4225257, MONDO:0014718, OMIM 616645.
Epilepsy, idiopathic generalized, susceptibility to, 14 (EIG14). Identifiers: MedGen C4225245, MONDO:0014734, OMIM 616685.

Allele frequency attached by ClinVar (database versions not stated): gnomAD exomes below 0.00001; TOPMed below 0.00001; gnomAD 0.00001.
gnomAD v4.1: 3 of 1,614,142 alleles (0.00019%); highest among the groups gnomAD compares: African/African-American, 0.0027%; no homozygotes.

Submissions (3):

MGZ Medical Genetics Center
Classification: Uncertain significance for Epilepsy, idiopathic generalized, susceptibility to, 14. Last evaluated: 2022-06-21. Review status: criteria provided, single submitter. Criteria: ACMG Guidelines, 2015. Collection method: clinical testing. Allele origin: germline. Affected: yes. Observed: 1 variant allele.
Comment: ACMG criteria applied: PM2_SUP, PP2, PP3

Labcorp Genetics (formerly Invitae), Labcorp
Classification: Uncertain significance for Developmental and epileptic encephalopathy, 34. Last evaluated: 2021-08-31. Review status: criteria provided, single submitter. Criteria: Invitae Variant Classification Sherloc (09022015). Collection method: clinical testing. Allele origin: germline.
Comment: This sequence change replaces arginine with histidine at codon 231 of the SLC12A5 protein (p.Arg231His). The arginine residue is highly conserved and there is a small physicochemical difference between arginine and histidine. This variant is not present in population databases (ExAC no frequency). This variant has not been reported in the literature in individuals affected with SLC12A5-related conditions. ClinVar contains an entry for this variant (Variation ID: 452646). Algorithms developed to predict the effect of missense changes on protein structure and function are either unavailable or do not agree on the potential impact of this missense change (SIFT: "Deleterious"; PolyPhen-2: "Probably Damaging"; Align-GVGD: "Class C0"). In summary, the available evidence is currently insufficient to determine the role of this variant in disease. Therefore, it has been classified as a Variant of Uncertain Significance.

GeneDx
Classification: Uncertain significance. Last evaluated: 2017-10-09. Review status: criteria provided, single submitter. Criteria: GeneDx Variant Classification (06012015). Collection method: clinical testing. Allele origin: germline. Affected: yes.
Comment: The R231H variant in the SLC12A5 gene has not been reported previously as a pathogenic variant, nor as a benign variant, to our knowledge. This variant is not observed in large population cohorts (Lek et al., 2016). The R231H variant is a conservative amino acid substitution, which is not likely to impact secondary protein structure as these residues share similar properties. This substitution occurs at a position that is conserved across species. In silico analysis predicts this variant is probably damaging to the protein structure/function. We interpret R231H as a variant of uncertain significance.

NM_020708.5(SLC12A5):c.692G>A (p.Arg231His)

Gene: SLC12A5 (solute carrier family 12 member 5; plus strand). Cytogenetic location: 20q13.12.
Variant type: single nucleotide variant.
Coding change: c.692G>A on transcript NM_020708.5 (MANE Select); coding-DNA position 692, G replaced by A.
Protein change: p.Arg231His; replaces arginine 231 with histidine.
Molecular consequence: missense variant.
Genome position (GRCh38, 1-based): chr20:46,040,452, G>A. VCF-style: chr20-46040452-G-A. GRCh37 (hg19) VCF-style: chr20-44669091-G-A.
Other names: c.761G>A, p.Arg254His (NM_001134771.2); short protein forms R231H, R254H.
Identifiers: ClinVar variation 452646 (VCV000452646.9), dbSNP rs1555863134, ClinGen allele CA409189777.